The following is an entry in ClinVar:

NM_005732.4(RAD50):c.1369C>G (p.Leu457Val)

Gene: RAD50 (RAD50 double strand break repair protein; plus strand). Cytogenetic location: 5q31.1.
Variant type: single nucleotide variant.
Coding change: c.1369C>G on transcript NM_005732.4 (MANE Select); coding-DNA position 1369, C replaced by G.
Protein change: p.Leu457Val; replaces leucine 457 with valine.
Molecular consequence: missense variant.
Genome position (GRCh38, 1-based): chr5:132,589,754, C>G. VCF-style: chr5-132589754-C-G. GRCh37 (hg19) VCF-style: chr5-131925446-C-G.
Other names: short protein forms L457V.
Identifiers: ClinVar variation 232874 (VCV000232874.17), dbSNP rs876660042, ClinGen allele CA10578526.
Genomic context (GRCh38, chr5:132,589,754, plus strand): 5'-ACTGGACTGGGAAGAATAATTGAGTTAAAATCAGAAATCCTAAGTAAGAAGCAGAATGAG[C>G]TGAAAAATGTGAAGTATGAATTACAGCAGTTGGAAGGATCTTCAGACAGGATTCTTGAAC-3'
Protein context (NP_005723.2, residues 447-467): SEILSKKQNE[Leu457Val]KNVKYELQQL

ClinVar aggregate classification (germline): Uncertain significance. Review status: criteria provided, multiple submitters, no conflicts (2 of 4 stars). 2 submissions from 2 submitters: Uncertain significance (2). Last evaluated 2025-03-26.

Conditions:
Hereditary cancer-predisposing syndrome. Also called: Neoplastic Syndromes, Hereditary; Tumor predisposition; Hereditary Cancer Syndrome; Hereditary neoplastic syndrome. Identifiers: Orphanet 140162, MedGen C0027672, MeSH D009386, MONDO:0015356.

Allele frequency attached by ClinVar (database versions not stated): gnomAD exomes below 0.00001.
gnomAD v4.1: 1 of 1,613,570 alleles (0.000062%); highest among the groups gnomAD compares: South Asian, 0.0011%; no homozygotes.

Submissions (2):

Ambry Genetics
Classification: Uncertain significance for Hereditary cancer-predisposing syndrome. Last evaluated: 2025-03-26. Review status: criteria provided, single submitter. Criteria: Ambry Variant Classification Scheme 2023. Collection method: clinical testing. Allele origin: germline.
Comment: The p.L457V variant (also known as c.1369C>G), located in coding exon 9 of the RAD50 gene, results from a C to G substitution at nucleotide position 1369. The leucine at codon 457 is replaced by valine, an amino acid with highly similar properties. This amino acid position is highly conserved in available vertebrate species. In addition, this alteration is predicted to be tolerated by in silico analysis. Since supporting evidence is limited at this time, the clinical significance of this alteration remains unclear.

Labcorp Genetics (formerly Invitae), Labcorp
Classification: Uncertain significance for Hereditary cancer-predisposing syndrome. Last evaluated: 2023-02-11. Review status: criteria provided, single submitter. Criteria: Invitae Variant Classification Sherloc (09022015). Collection method: clinical testing. Allele origin: germline.
Comment: This sequence change replaces leucine, which is neutral and non-polar, with valine, which is neutral and non-polar, at codon 457 of the RAD50 protein (p.Leu457Val). This variant is present in population databases (no rsID available, gnomAD 0.003%). In summary, the available evidence is currently insufficient to determine the role of this variant in disease. Therefore, it has been classified as a Variant of Uncertain Significance. Advanced modeling of protein sequence and biophysical properties (such as structural, functional, and spatial information, amino acid conservation, physicochemical variation, residue mobility, and thermodynamic stability) performed at Invitae indicates that this missense variant is not expected to disrupt RAD50 protein function. ClinVar contains an entry for this variant (Variation ID: 232874). This variant has not been reported in the literature in individuals affected with RAD50-related conditions.